The following is an entry in ClinVar:

ClinVar aggregate classification (germline): Uncertain significance (1 of 4 stars; one submission).

Allele frequency attached by ClinVar (database versions not stated): ExAC 0.00009; 1000 Genomes Project 0.00020.
gnomAD v4.1: 88 of 700,398 alleles (0.013%); highest among the groups gnomAD compares: African/African-American, 0.038%; no homozygotes.

Submission:

Labcorp Genetics (formerly Invitae), Labcorp
Classification: Uncertain significance. Last evaluated: 2023-08-04. Review status: criteria provided, single submitter. Criteria: Invitae Variant Classification Sherloc (09022015). Collection method: clinical testing. Allele origin: germline.
Comment: This variant occurs in the RNU4ATAC gene, which encodes an RNA molecule that does not result in a protein product. This variant is present in population databases (rs546680447, gnomAD 0.03%). This variant has not been reported in the literature in individuals affected with RNU4ATAC-related conditions. ClinVar contains an entry for this variant (Variation ID: 1418315). Experimental studies and prediction algorithms are not available or were not evaluated, and the functional significance of this variant is currently unknown. In summary, the available evidence is currently insufficient to determine the role of this variant in disease. Therefore, it has been classified as a Variant of Uncertain Significance.

NC_000002.12:g.121530969C>T

Genes: CLASP1 (cytoplasmic linker associated protein 1; minus strand), CLASP1-AS1 (CLASP1 antisense RNA 1; plus strand), RNU4ATAC (RNA, U4atac small nuclear; plus strand). Cytogenetic location: 2q14.2.
Variant type: single nucleotide variant.
Molecular consequence: intron variant (on NM_001395891.1).
Genome position: GRCh38 VCF-style: chr2-121530969-C-T. GRCh37 (hg19) VCF-style: chr2-122288545-C-T.
Other names: c.196-644G>A (NM_001142274.2, NM_015282.3, NM_001378003.1 and 5 more transcripts).
Identifiers: ClinVar variation 1418315 (VCV001418315.4), dbSNP rs546680447, ClinGen allele CA1854729.
Genomic context (GRCh38, chr2:121,530,969, plus strand): 5'-GTCCAATGAGCGCATAGTGAGGGCAGTACTGCTAACGCCTGAACAACACACCCGCATCAA[C>T]TAGAGCTTTTGCTTTATTTTGGTGCAATTTTTGGAAAAATGAAAACCTGTTTTCATAGAC-3'